The following is an entry in ClinVar:

NM_001127453.2(GSDME):c.*273C>T

Gene: GSDME (gasdermin E; minus strand). Cytogenetic location: 7p15.3.
Variant type: single nucleotide variant.
Coding change: c.*273C>T on transcript NM_001127453.2 (MANE Select); 273 bases downstream of the stop codon, C replaced by T.
Molecular consequence: 3 prime UTR variant.
Genome position (GRCh38, 1-based): chr7:24,698,753, G>A on the plus strand (C>T on the coding strand, the complement: GSDME is on the minus strand). VCF-style: chr7-24698753-G-A. GRCh37 (hg19) VCF-style: chr7-24738372-G-A.
Other names: c.*273C>T (NM_001127454.2, NM_004403.3).
Identifiers: ClinVar variation 359832 (VCV000359832.7), dbSNP rs17149888, ClinGen allele CA10623705.

ClinVar aggregate classification (germline): Benign. Review status: criteria provided, multiple submitters, no conflicts (2 of 4 stars). 2 submissions from 2 submitters: Benign (2). Last evaluated 2018-12-17.

Conditions:
Autosomal dominant nonsyndromic hearing loss 5. Identifiers: Orphanet 90635, MedGen C1832932, MONDO:0010973, OMIM 600994.

Allele frequency attached by ClinVar (database versions not stated): gnomAD exomes 0.02666; gnomAD 0.07025 and 0.07118; TOPMed 0.08039; 1000 Genomes Project 30x 0.12367; 1000 Genomes Project 0.12440.
gnomAD v4.1: 19,572 of 483,308 alleles (4%); highest among the groups gnomAD compares: African/African-American, 19%; 1,501 homozygotes.

Submissions (2):

GeneDx
Classification: Benign. Last evaluated: 2018-12-17. Review status: criteria provided, single submitter. Criteria: GeneDx Variant Classification Process June 2021. Collection method: clinical testing. Allele origin: germline. Affected: yes.

Illumina Laboratory Services, Illumina
Classification: Benign for Autosomal dominant nonsyndromic hearing loss 5. Last evaluated: 2018-01-13. Review status: criteria provided, single submitter. Criteria: ICSL Variant Classification Criteria 13 December 2019. Collection method: clinical testing. Allele origin: germline.
Comment: This variant was observed in the ICSL laboratory as part of a predisposition screen in an ostensibly healthy population. It had not been previously curated by ICSL or reported in the Human Gene Mutation Database (HGMD: prior to June 1st, 2018), and was therefore a candidate for classification through an automated scoring system. Utilizing variant allele frequency, disease prevalence and penetrance estimates, and inheritance mode, an automated score was calculated to assess if this variant is too frequent to cause the disease. Based on the score and internal cut-off values, a variant classified as benign is not then subjected to further curation. The score for this variant resulted in a classification of benign for this disease.